The following is an entry in ClinVar:

NM_000059.4(BRCA2):c.152_167del (p.Glu51fs)

Gene: BRCA2 (BRCA2 DNA repair associated; plus strand). Cytogenetic location: 13q13.1.
Variant type: Deletion.
Coding change: c.152_167del on transcript NM_000059.4 (MANE Select); coding-DNA positions 152 to 167, 16 bases deleted (AACATAAAAACAACAA).
Protein change: p.Glu51fs; shifts the reading frame from glutamic acid 51.
Molecular consequence: frameshift variant.
Genome position (GRCh38, 1-based): chr13:32,319,161-32,319,176, AACATAAAAACAACAA deleted. VCF-style (leftmost placement, unchanged base first): chr13-32319160-GAACATAAAAACAACAA-G. GRCh37 (hg19) VCF-style: chr13-32893297-GAACATAAAAACAACAA-G.
Other names: short protein forms E51fs.
Identifiers: ClinVar variation 1454496 (VCV001454496.6), dbSNP rs2138704300, ClinGen allele CA2573149283.

ClinVar aggregate classification (germline): Pathogenic (1 of 4 stars; one submission).

Conditions:
Hereditary breast ovarian cancer syndrome. Also called: Hereditary breast and ovarian cancer; Hereditary breast and ovarian cancer syndrome (HBOC); Breast and ovarian cancer; Hereditary breast and ovarian cancer syndrome; Hereditary breast and/or ovarian cancer syndrome; BRCA1- and BRCA2-Associated Hereditary Breast and Ovarian Cancer. Identifiers: Orphanet 145, MedGen C0677776, MeSH D061325, MONDO:0003582. Disease mechanism: loss of function.

Submission:

Labcorp Genetics (formerly Invitae), Labcorp
Classification: Pathogenic for Hereditary breast ovarian cancer syndrome. Last evaluated: 2020-12-20. Review status: criteria provided, single submitter. Criteria: Invitae Variant Classification Sherloc (09022015). Collection method: clinical testing. Allele origin: germline.
Comment: For these reasons, this variant has been classified as Pathogenic. This variant has not been reported in the literature in individuals with BRCA2-related conditions. This variant is not present in population databases (ExAC no frequency). This sequence change creates a premature translational stop signal (p.Glu51Valfs*24) in the BRCA2 gene. It is expected to result in an absent or disrupted protein product. Loss-of-function variants in BRCA2 are known to be pathogenic (PMID: 20104584).

Literature cited by the submitters: PubMed 20104584.